The following is an entry in ClinVar:

ClinVar aggregate classification (germline): Likely benign. Review status: criteria provided, multiple submitters, no conflicts (2 of 4 stars). 2 submissions from 2 submitters: Likely benign (2). Last evaluated 2025-05-10.

Conditions:
Mowat-Wilson syndrome (MOWS). Also called: Classic Mowat-Wilson Syndrome. Identifiers: Orphanet 2152, MedGen C1856113, MONDO:0009341, OMIM 235730.

Allele frequency attached by ClinVar (database versions not stated): gnomAD 0.00001; gnomAD exomes 0.00002 and 0.00004; TOPMed 0.00002; ExAC 0.00004.
gnomAD v4.1: 16 of 1,613,728 alleles (0.00099%); highest among the groups gnomAD compares: East Asian, 0.033%; no homozygotes.

Submissions (2):

Labcorp Genetics (formerly Invitae), Labcorp
Classification: Likely benign for Mowat-Wilson syndrome. Last evaluated: 2025-05-10. Review status: criteria provided, single submitter. Criteria: Invitae Variant Classification Sherloc (09022015). Collection method: clinical testing. Allele origin: germline.

GeneDx
Classification: Likely benign. Last evaluated: 2017-01-11. Review status: criteria provided, single submitter. Criteria: GeneDx Variant Classification (06012015). Collection method: clinical testing. Allele origin: germline. Affected: yes.
Comment: This variant is considered likely benign or benign based on one or more of the following criteria: it is a conservative change, it occurs at a poorly conserved position in the protein, it is predicted to be benign by multiple in silico algorithms, and/or has population frequency not consistent with disease.

NM_014795.4(ZEB2):c.222G>A (p.Val74=)

Gene: ZEB2 (zinc finger E-box binding homeobox 2; minus strand). Cytogenetic location: 2q22.3.
Variant type: single nucleotide variant.
Coding change: c.222G>A on transcript NM_014795.4 (MANE Select); coding-DNA position 222, G replaced by A.
Protein change: p.Val74=; no amino-acid change (valine 74 retained).
Molecular consequence: synonymous variant.
Genome position (GRCh38, 1-based): chr2:144,429,878, C>T on the plus strand (G>A on the coding strand, the complement: ZEB2 is on the minus strand). VCF-style: chr2-144429878-C-T. GRCh37 (hg19) VCF-style: chr2-145187445-C-T.
Other names: c.222G>A, p.Val74= (NM_001171653.2).
Identifiers: ClinVar variation 392845 (VCV000392845.4), dbSNP rs767831638, ClinGen allele CA1898583.